The following is an entry in ClinVar:

ClinVar aggregate classification (germline): Conflicting classifications of pathogenicity. Review status: criteria provided, conflicting classifications (1 of 4 stars). 2 submissions from 2 submitters: Uncertain significance (1); Likely benign (1). Last evaluated 2023-03-23.

Conditions:
Hereditary cancer-predisposing syndrome. Also called: Tumor predisposition; Hereditary neoplastic syndrome; Neoplastic Syndromes, Hereditary; Hereditary Cancer Syndrome. Identifiers: Orphanet 140162, MedGen C0027672, MeSH D009386, MONDO:0015356.
Hereditary breast ovarian cancer syndrome. Also called: BRCA1- and BRCA2-Associated Hereditary Breast and Ovarian Cancer; Hereditary breast and ovarian cancer; Hereditary breast and/or ovarian cancer syndrome; Hereditary breast and ovarian cancer syndrome; Hereditary breast and ovarian cancer syndrome (HBOC); Breast and ovarian cancer. Identifiers: Orphanet 145, MedGen C0677776, MeSH D061325, MONDO:0003582. Disease mechanism: loss of function.

Submissions (2):

University of Washington Department of Laboratory Medicine, University of Washington
Classification: Likely benign for Hereditary cancer-predisposing syndrome. Last evaluated: 2023-03-23. Review status: criteria provided, single submitter. Criteria: Dines et al. (Genet Med. 2020). Collection method: curation. Allele origin: germline.
Comment: Missense variant in a coldspot region where missense variants are very unlikely to be pathogenic (PMID:31911673).

BRCA2 exon 11 coldspot. Reclassification based on statistical prior probability.

Labcorp Genetics (formerly Invitae), Labcorp
Classification: Uncertain significance for Hereditary breast ovarian cancer syndrome. Last evaluated: 2022-11-01. Review status: criteria provided, single submitter. Criteria: Invitae Variant Classification Sherloc (09022015). Collection method: clinical testing. Allele origin: germline.
Comment: In summary, the available evidence is currently insufficient to determine the role of this variant in disease. Therefore, it has been classified as a Variant of Uncertain Significance. This sequence change replaces glutamine, which is neutral and polar, with histidine, which is basic and polar, at codon 1701 of the BRCA2 protein (p.Gln1701His). This variant is not present in population databases (gnomAD no frequency). This missense change has been observed in individual(s) with breast cancer (PMID: 16875939). ClinVar contains an entry for this variant (Variation ID: 1359782). Advanced modeling of protein sequence and biophysical properties (such as structural, functional, and spatial information, amino acid conservation, physicochemical variation, residue mobility, and thermodynamic stability) performed at Invitae indicates that this missense variant is not expected to disrupt BRCA2 protein function.

Literature cited by the submitters: PubMed 16875939 (cited by Labcorp Genetics (formerly Invitae), Labcorp).

NM_000059.4(BRCA2):c.5103A>T (p.Gln1701His)

Gene: BRCA2 (BRCA2 DNA repair associated; plus strand). Cytogenetic location: 13q13.1.
Variant type: single nucleotide variant.
Coding change: c.5103A>T on transcript NM_000059.4 (MANE Select); coding-DNA position 5103, A replaced by T.
Protein change: p.Gln1701His; replaces glutamine 1701 with histidine.
Molecular consequence: missense variant.
Genome position (GRCh38, 1-based): chr13:32,339,458, A>T. VCF-style: chr13-32339458-A-T. GRCh37 (hg19) VCF-style: chr13-32913595-A-T.
Other names: short protein forms Q1701H.
Identifiers: ClinVar variation 1359782 (VCV001359782.9), dbSNP rs878853587, ClinGen allele CA387784125.
Genomic context (GRCh38, chr13:32,339,458, plus strand): 5'-GAGTCAGACTTCATTACTTGAAGCAAAAAAATGGCTTAGAGAAGGAATATTTGATGGTCA[A>T]CCAGAAAGAATAAATACTGCAGATTATGTAGGAAATTATTTGTATGAAAATAATTCAAAC-3'
Protein context (NP_000050.3, residues 1691-1711): KWLREGIFDG[Gln1701His]PERINTADYV